The following is an entry in ClinVar:

ClinVar aggregate classification (germline): Benign/Likely benign. Review status: criteria provided, multiple submitters, no conflicts (2 of 4 stars). 4 submissions from 4 submitters: Benign (2); Likely benign (2). Last evaluated 2024-04-01.

Conditions:
Early-infantile DEE. Also called: Ohtahara syndrome; Early infantile epileptic encephalopathy; Early infantile epileptic encephalopathy with suppression bursts. Identifiers: Orphanet 1934, MedGen C0393706, MONDO:0800491.
Developmental and epileptic encephalopathy, 5 (DEE5). Identifiers: Orphanet 3451, MedGen C3150731, MONDO:0013277, OMIM 613477.

Allele frequency attached by ClinVar (database versions not stated): ExAC 0.00002; gnomAD 0.00002 and 0.00003; gnomAD exomes 0.00003; TOPMed 0.00003.
gnomAD v4.1: 39 of 1,614,222 alleles (0.0024%); highest among the groups gnomAD compares: Middle Eastern, 0.033%; no homozygotes.

Submissions (4):

Labcorp Genetics (formerly Invitae), Labcorp
Classification: Likely benign for Early-infantile DEE. Last evaluated: 2024-04-01. Review status: criteria provided, single submitter. Criteria: Invitae Variant Classification Sherloc (09022015). Collection method: clinical testing. Allele origin: germline.

CeGaT Center for Human Genetics Tuebingen
Classification: Likely benign. Last evaluated: 2022-08-01. Review status: criteria provided, single submitter. Criteria: CeGaT Center For Human Genetics Tuebingen Variant Classification Criteria Version 2. Collection method: clinical testing. Allele origin: germline. Affected: yes. Observed: 1 variant allele.
Comment: SPTAN1: BP4, BP7

Genome-Nilou Lab
Classification: Benign for Developmental and epileptic encephalopathy, 5. Last evaluated: 2021-07-15. Review status: criteria provided, single submitter. Criteria: ACMG Guidelines, 2015. Collection method: clinical testing. Allele origin: germline. Affected: no.

GeneDx
Classification: Benign. Last evaluated: 2014-09-18. Review status: criteria provided, single submitter. Criteria: GeneDx Variant Classification (06012015). Collection method: clinical testing. Allele origin: germline. Affected: yes.
Comment: This variant is considered likely benign or benign based on one or more of the following criteria: it is a conservative change, it occurs at a poorly conserved position in the protein, it is predicted to be benign by multiple in silico algorithms, and/or has population frequency not consistent with disease.

NM_001130438.3(SPTAN1):c.6183C>T (p.Ala2061=)

Gene: SPTAN1 (spectrin alpha, non-erythrocytic 1; plus strand). Cytogenetic location: 9q34.11.
Variant type: single nucleotide variant.
Coding change: c.6183C>T on transcript NM_001130438.3 (MANE Select); coding-DNA position 6183, C replaced by T.
Protein change: p.Ala2061=; no amino-acid change (alanine 2061 retained).
Molecular consequence: synonymous variant.
Genome position (GRCh38, 1-based): chr9:128,625,882, C>T. VCF-style: chr9-128625882-C-T. GRCh37 (hg19) VCF-style: chr9-131388161-C-T.
Other names: p.A2061A:GCC>GCT; c.6108C>T, p.Ala2036= (NM_001195532.2); c.6183C>T, p.Ala2061= (NM_001363759.2); c.6123C>T, p.Ala2041= (NM_001363765.2); c.6168C>T, p.Ala2056= (NM_003127.4).
Identifiers: ClinVar variation 207300 (VCV000207300.39), dbSNP rs775886527, ClinGen allele CA318635.